The following is an entry in ClinVar:

ClinVar aggregate classification (germline): Uncertain significance (1 of 4 stars; one submission).

Allele frequency attached by ClinVar (database versions not stated): gnomAD 0.00003; gnomAD exomes 0.00003 and 0.00009; ExAC 0.00004; TOPMed 0.00006; ESP Exome Variant Server 0.00008.
gnomAD v4.1: 133 of 1,614,074 alleles (0.0082%); highest among the groups gnomAD compares: Non-Finnish European, 0.011%; no homozygotes.

Submission:

GeneDx
Classification: Uncertain significance. Last evaluated: 2025-10-08. Review status: criteria provided, single submitter. Criteria: GeneDx Variant Classification Process June 2021. Collection method: clinical testing. Allele origin: germline. Affected: yes.
Comment: Published functional studies demonstrate a damaging effect with in vitro expression showing a tendency for rapid aggregation in spinal cord neurons (PMID: 22065782); In silico analysis suggests that this missense variant does not alter protein structure/function; This variant is associated with the following publications: (PMID: 22065782, 29425503, 29677512, 36411469, 30533570, 30481590)

NM_139215.3(TAF15):c.1172G>A (p.Gly391Glu)

Gene: TAF15 (TATA-box binding protein associated factor 15; plus strand). Cytogenetic location: 17q12.
Variant type: single nucleotide variant.
Coding change: c.1172G>A on transcript NM_139215.3 (MANE Select); coding-DNA position 1172, G replaced by A.
Protein change: p.Gly391Glu; replaces glycine 391 with glutamic acid.
Molecular consequence: missense variant.
Genome position (GRCh38, 1-based): chr17:35,844,363, G>A. VCF-style: chr17-35844363-G-A. GRCh37 (hg19) VCF-style: chr17-34171367-G-A.
Other names: c.1163G>A, p.Gly388Glu (NM_003487.4); short protein forms G388E, G391E.
Identifiers: ClinVar variation 1683939 (VCV001683939.3), dbSNP rs375783267, ClinGen allele CA290040979.